The following is an entry in ClinVar:

ClinVar aggregate classification (germline): Likely pathogenic (1 of 4 stars; one submission).

Conditions:
Developmental and epileptic encephalopathy, 9 (DEE9). Also called: Early infantile epileptic encephalopathy 9; EPILEPSY, FEMALE-RESTRICTED, WITH MENTAL RETARDATION; JUBERG-HELLMAN SYNDROME; PCDH19-Related X-Linked Female-Limited Epilepsy with Mental Retardation. Identifiers: Orphanet 101039, Orphanet 2076, MedGen C1848137, MONDO:0010246, OMIM 300088. Disease mechanism: loss of function.

Submission:

Labcorp Genetics (formerly Invitae), Labcorp
Classification: Likely pathogenic for Developmental and epileptic encephalopathy, 9. Last evaluated: 2024-04-08. Review status: criteria provided, single submitter. Criteria: Invitae Variant Classification Sherloc (09022015). Collection method: clinical testing. Allele origin: germline.
Comment: This sequence change replaces proline, which is neutral and non-polar, with leucine, which is neutral and non-polar, at codon 393 of the PCDH19 protein (p.Pro393Leu). This variant is not present in population databases (gnomAD no frequency). This missense change has been observed in individual(s) with PCDH19-related epilepsy (PMID: 25499160, 30287595). In at least one individual the variant was observed to be de novo. Advanced modeling of protein sequence and biophysical properties (such as structural, functional, and spatial information, amino acid conservation, physicochemical variation, residue mobility, and thermodynamic stability) performed at Invitae indicates that this missense variant is expected to disrupt PCDH19 protein function with a positive predictive value of 80%. In summary, the currently available evidence indicates that the variant is pathogenic, but additional data are needed to prove that conclusively. Therefore, this variant has been classified as Likely Pathogenic.

Literature cited by the submitters: PubMed 25499160; PubMed 30287595.

NM_001184880.2(PCDH19):c.1178C>T (p.Pro393Leu)

Gene: PCDH19 (protocadherin 19; minus strand). Cytogenetic location: Xq22.1.
Variant type: single nucleotide variant.
Coding change: c.1178C>T on transcript NM_001184880.2 (MANE Select); coding-DNA position 1178, C replaced by T.
Protein change: p.Pro393Leu; replaces proline 393 with leucine.
Molecular consequence: missense variant.
Genome position (GRCh38, 1-based): chrX:100,407,420, G>A on the plus strand (C>T on the coding strand, the complement: PCDH19 is on the minus strand). VCF-style: chrX-100407420-G-A. GRCh37 (hg19) VCF-style: chrX-99662418-G-A.
Other names: c.1178C>T, p.Pro393Leu (NM_001105243.2, NM_020766.3); short protein forms P393L.
Identifiers: ClinVar variation 2737276 (VCV002737276.3), dbSNP rs2520984951, ClinGen allele CA414003838.